The following is an entry in ClinVar:

NM_000018.4(ACADVL):c.544C>T (p.Gln182Ter)

Gene: ACADVL (acyl-CoA dehydrogenase very long chain; plus strand). Cytogenetic location: 17p13.1.
Variant type: single nucleotide variant.
Coding change: c.544C>T on transcript NM_000018.4 (MANE Select); coding-DNA position 544, C replaced by T.
Protein change: p.Gln182Ter; replaces glutamine 182 with a stop codon.
Molecular consequence: nonsense.
Genome position (GRCh38, 1-based): chr17:7,221,604, C>T. VCF-style: chr17-7221604-C-T. GRCh37 (hg19) VCF-style: chr17-7124923-C-T.
Other names: c.478C>T, p.Gln160Ter (NM_001033859.3); c.613C>T, p.Gln205Ter (NM_001270447.2); c.316C>T, p.Gln106Ter (NM_001270448.2); short protein forms Q106*, Q160*, Q182*, Q205*.
Identifiers: ClinVar variation 2021338 (VCV002021338.5), dbSNP rs2508283122, ClinGen allele CA397723129.

ClinVar aggregate classification (germline): Pathogenic. Review status: criteria provided, multiple submitters, no conflicts (2 of 4 stars). 2 submissions from 2 submitters: Pathogenic (2). Last evaluated 2024-05-08.

Conditions:
Very long chain acyl-CoA dehydrogenase deficiency (ACADVLD). Also called: Very Long-Chain Acyl-Coenzyme A Dehydrogenase Deficiency; VLCAD Deficiency. Identifiers: Orphanet 26793, MedGen C3887523, MONDO:0008723, OMIM 201475.

Submissions (2):

Myriad Genetics, Inc.
Classification: Pathogenic for Very long chain acyl-CoA dehydrogenase deficiency. Last evaluated: 2024-05-08. Review status: criteria provided, single submitter. Criteria: Myriad Autosomal Dominant, Autosomal Recessive and X-Linked Classification Criteria (2023). Collection method: clinical testing. Allele origin: unknown.
Comment: NM_000018.3(ACADVL):c.544C>T(Q182*) is expected to be pathogenic in the context of very-long-chain acyl-CoA dehydrogenase deficiency. This variant is predicted to lead to an abnormal or absent protein product due to the creation of a premature termination codon in ACADVL, a gene where loss-of-function variants are known to be pathogenic. Please note: this variant was assessed in the context of healthy population screening.

Labcorp Genetics (formerly Invitae), Labcorp
Classification: Pathogenic for Very long chain acyl-CoA dehydrogenase deficiency. Last evaluated: 2022-08-03. Review status: criteria provided, single submitter. Criteria: Invitae Variant Classification Sherloc (09022015). Collection method: clinical testing. Allele origin: germline.
Comment: This sequence change creates a premature translational stop signal (p.Gln182*) in the ACADVL gene. It is expected to result in an absent or disrupted protein product. Loss-of-function variants in ACADVL are known to be pathogenic (PMID: 9973285, 11590124). This variant is not present in population databases (gnomAD no frequency). This variant has not been reported in the literature in individuals affected with ACADVL-related conditions. For these reasons, this variant has been classified as Pathogenic.

Literature cited by the submitters: PubMed 9973285 (cited by Labcorp Genetics (formerly Invitae), Labcorp); PubMed 11590124 (cited by Labcorp Genetics (formerly Invitae), Labcorp).